The following is an entry in ClinVar:

ClinVar aggregate classification (germline): Uncertain significance (1 of 4 stars; one submission).

Submission:

GeneDx
Classification: Uncertain significance. Last evaluated: 2019-07-20. Review status: criteria provided, single submitter. Criteria: GeneDx Variant Classification Process June 2021. Collection method: clinical testing. Allele origin: germline. Affected: yes.
Comment: Not observed in large population cohorts (Lek et al., 2016); In silico analysis, which includes protein predictors and evolutionary conservation, supports a deleterious effect; Has not been previously published as pathogenic or benign to our knowledge

NM_181672.3(OGT):c.1864G>A (p.Gly622Arg)

Gene: OGT (O-linked N-acetylglucosamine (GlcNAc) transferase; plus strand). Cytogenetic location: Xq13.1.
Variant type: single nucleotide variant.
Coding change: c.1864G>A on transcript NM_181672.3 (MANE Select); coding-DNA position 1864, G replaced by A.
Protein change: p.Gly622Arg; replaces glycine 622 with arginine.
Molecular consequence: missense variant.
Genome position (GRCh38, 1-based): chrX:71,561,787, G>A. VCF-style: chrX-71561787-G-A. GRCh37 (hg19) VCF-style: chrX-70781637-G-A.
Other names: c.1834G>A, p.Gly612Arg (NM_181673.3); short protein forms G612R, G622R.
Identifiers: ClinVar variation 1306910 (VCV001306910.2), dbSNP rs2147688472, ClinGen allele CA413560766.